The following is an entry in ClinVar:

ClinVar aggregate classification (germline): Uncertain significance (1 of 4 stars; one submission).

Conditions:
Hereditary cancer-predisposing syndrome. Also called: Neoplastic Syndromes, Hereditary; Tumor predisposition; Hereditary neoplastic syndrome; Hereditary Cancer Syndrome. Identifiers: Orphanet 140162, MedGen C0027672, MeSH D009386, MONDO:0015356.

Submission:

Ambry Genetics
Classification: Uncertain significance for Hereditary cancer-predisposing syndrome. Last evaluated: 2026-07-06. Review status: criteria provided, single submitter. Criteria: Ambry Variant Classification Scheme 2023. Collection method: clinical testing. Allele origin: germline.
Comment: The p.T602S variant (also known as c.1804A>T), located in coding exon 11 of the NBN gene, results from an A to T substitution at nucleotide position 1804. The threonine at codon 602 is replaced by serine, an amino acid with similar properties. This amino acid position is conserved. In addition, this alteration is predicted to be tolerated by in silico analysis. Based on the available evidence, the clinical significance of this variant remains unclear.

NM_002485.5(NBN):c.1804A>T (p.Thr602Ser)

Gene: NBN (nibrin; minus strand). Cytogenetic location: 8q21.3.
Variant type: single nucleotide variant.
Coding change: c.1804A>T on transcript NM_002485.5 (MANE Select); coding-DNA position 1804, A replaced by T.
Protein change: p.Thr602Ser; replaces threonine 602 with serine.
Molecular consequence: missense variant.
Genome position (GRCh38, 1-based): chr8:89,953,285, T>A on the plus strand (A>T on the coding strand, the complement: NBN is on the minus strand). VCF-style: chr8-89953285-T-A. GRCh37 (hg19) VCF-style: chr8-90965513-T-A.
Other names: c.1558A>T, p.Thr520Ser (NM_001024688.3, NM_001440379.1, NM_001440380.1); short protein forms T520S, T602S.
Identifiers: ClinVar variation 5025394 (VCV005025394.1).